The following is an entry in ClinVar:

NM_000138.5(FBN1):c.6277G>C (p.Gly2093Arg)

Gene: FBN1 (fibrillin 1; minus strand). Cytogenetic location: 15q21.1.
Variant type: single nucleotide variant.
Coding change: c.6277G>C on transcript NM_000138.5 (MANE Select); coding-DNA position 6277, G replaced by C.
Protein change: p.Gly2093Arg; replaces glycine 2093 with arginine.
Molecular consequence: missense variant.
Genome position (GRCh38, 1-based): chr15:48,437,804, C>G on the plus strand (G>C on the coding strand, the complement: FBN1 is on the minus strand). VCF-style: chr15-48437804-C-G. GRCh37 (hg19) VCF-style: chr15-48730001-C-G.
Other names: short protein forms G2093R.
Identifiers: ClinVar variation 1361401 (VCV001361401.8), dbSNP rs1064793117, ClinGen allele CA392336964.
Genomic context (GRCh38, chr15:48,437,804, plus strand): 5'-GAGAAATGCAGATGACAGACATACCATCAGGTTCCGTGGGGCAGAGCTCGCAGGGGTCTC[C>G]CCAGCCTTCTCCCTTCAAGGCACAGCAGCATTCCTGCTTGGAGTGATTTCTGGATTTGGG-3'
Protein context (NP_000129.3, residues 2083-2103): CCCALKGEGW[Gly2093Arg]DPCELCPTEP

ClinVar aggregate classification (germline): Uncertain significance (1 of 4 stars; one submission).

Conditions:
Marfan syndrome (MFS). Also called: Marfan syndrome type 1; Marfan's syndrome; FBN1-Related Marfan Syndrome; MARFAN SYNDROME, TYPE I; Marfan syndrome, classic. Identifiers: Orphanet 284963, Orphanet 558, MedGen C0024796, MONDO:0007947, OMIM 154700.
Familial thoracic aortic aneurysm and aortic dissection (TAAD). Also called: Thoracic aortic aneurysms and dissections. Identifiers: Orphanet 91387, MedGen C4707243, MONDO:0019625.

Submission:

Labcorp Genetics (formerly Invitae), Labcorp
Classification: Uncertain significance for Marfan syndrome; Familial thoracic aortic aneurysm and aortic dissection. Last evaluated: 2021-06-15. Review status: criteria provided, single submitter. Criteria: Invitae Variant Classification Sherloc (09022015). Collection method: clinical testing. Allele origin: germline.
Comment: This variant is not present in population databases (ExAC no frequency). This sequence change replaces glycine with arginine at codon 2093 of the FBN1 protein (p.Gly2093Arg). The glycine residue is highly conserved and there is a moderate physicochemical difference between glycine and arginine. This variant has been observed in individual(s) with Marfan syndrome (PMID: 28941062). In summary, the available evidence is currently insufficient to determine the role of this variant in disease. Therefore, it has been classified as a Variant of Uncertain Significance. This variant disrupts the p.Gly2093 amino acid residue in FBN1. Other variant(s) that disrupt this residue have been observed in individuals with FBN1-related conditions (PMID: 27906200), which suggests that this may be a clinically significant amino acid residue. Advanced modeling of protein sequence and biophysical properties (such as structural, functional, and spatial information, amino acid conservation, physicochemical variation, residue mobility, and thermodynamic stability) performed at Invitae indicates that this missense variant is expected to disrupt FBN1 protein function.

Literature cited by the submitters: PubMed 28941062; PubMed 27906200.